The following is an entry in ClinVar:

ClinVar aggregate classification (germline): Uncertain significance (1 of 4 stars; one submission).

Conditions:
Ehlers-Danlos syndrome, spondylodysplastic type, 3. Also called: Ehlers-Danlos syndrome, spondylocheirodysplastic type. Identifiers: Orphanet 157965, MedGen C2676510, MONDO:0012873, OMIM 612350.

Submission:

Labcorp Genetics (formerly Invitae), Labcorp
Classification: Uncertain significance for Ehlers-Danlos syndrome, spondylodysplastic type, 3. Last evaluated: 2022-01-28. Review status: criteria provided, single submitter. Criteria: Invitae Variant Classification Sherloc (09022015). Collection method: clinical testing. Allele origin: germline.
Comment: In summary, the available evidence is currently insufficient to determine the role of this variant in disease. Therefore, it has been classified as a Variant of Uncertain Significance. Algorithms developed to predict the effect of missense changes on protein structure and function (SIFT, PolyPhen-2, Align-GVGD) all suggest that this variant is likely to be tolerated. This variant has not been reported in the literature in individuals affected with SLC39A13-related conditions. This variant is not present in population databases (gnomAD no frequency). This sequence change replaces alanine, which is neutral and non-polar, with threonine, which is neutral and polar, at codon 45 of the SLC39A13 protein (p.Ala45Thr).

NM_001128225.3(SLC39A13):c.133G>A (p.Ala45Thr)

Gene: SLC39A13 (solute carrier family 39 member 13; plus strand). Cytogenetic location: 11p11.2.
Variant type: single nucleotide variant.
Coding change: c.133G>A on transcript NM_001128225.3 (MANE Select); coding-DNA position 133, G replaced by A.
Protein change: p.Ala45Thr; replaces alanine 45 with threonine.
Molecular consequence: missense variant. On other transcripts: non-coding transcript variant (1).
Genome position (GRCh38, 1-based): chr11:47,410,227, G>A. VCF-style: chr11-47410227-G-A. GRCh37 (hg19) VCF-style: chr11-47431778-G-A.
Other names: c.133G>A, p.Ala45Thr (NM_001330245.2, NM_152264.5); short protein forms A45T.
Identifiers: ClinVar variation 1966314 (VCV001966314.5), dbSNP rs989327601, ClinGen allele CA221687282.